The following is an entry in ClinVar:

NM_206933.4(USH2A):c.9941T>C (p.Val3314Ala)

Gene: USH2A (usherin; minus strand). Cytogenetic location: 1q41.
Variant type: single nucleotide variant.
Coding change: c.9941T>C on transcript NM_206933.4 (MANE Select); coding-DNA position 9941, T replaced by C.
Protein change: p.Val3314Ala; replaces valine 3314 with alanine.
Molecular consequence: missense variant.
Genome position (GRCh38, 1-based): chr1:215,798,924, A>G on the plus strand (T>C on the coding strand, the complement: USH2A is on the minus strand). VCF-style: chr1-215798924-A-G. GRCh37 (hg19) VCF-style: chr1-215972266-A-G.
Other names: short protein forms V3314A.
Identifiers: ClinVar variation 1524142 (VCV001524142.5), dbSNP rs949059165, ClinGen allele CA37448474.

ClinVar aggregate classification (germline): Uncertain significance (1 of 4 stars; one submission).

Allele frequency attached by ClinVar (database versions not stated): gnomAD exomes below 0.00001.
gnomAD v4.1: 1 of 1,614,060 alleles (0.000062%); highest among the groups gnomAD compares: Non-Finnish European, 0.000085%; no homozygotes.

Submission:

Labcorp Genetics (formerly Invitae), Labcorp
Classification: Uncertain significance. Last evaluated: 2021-08-31. Review status: criteria provided, single submitter. Criteria: Invitae Variant Classification Sherloc (09022015). Collection method: clinical testing. Allele origin: germline.
Comment: This sequence change replaces valine with alanine at codon 3314 of the USH2A protein (p.Val3314Ala). The valine residue is moderately conserved and there is a small physicochemical difference between valine and alanine. This variant is not present in population databases (ExAC no frequency). This variant has not been reported in the literature in individuals affected with USH2A-related conditions. Algorithms developed to predict the effect of missense changes on protein structure and function output the following: SIFT: "Tolerated"; PolyPhen-2: "Benign"; Align-GVGD: "Class C0". The alanine amino acid residue is found in multiple mammalian species, which suggests that this missense change does not adversely affect protein function. In summary, the available evidence is currently insufficient to determine the role of this variant in disease. Therefore, it has been classified as a Variant of Uncertain Significance.